The following is an entry in ClinVar:

ClinVar aggregate classification (germline): Pathogenic. Review status: criteria provided, single submitter (1 of 4 stars). 2 submissions from 2 submitters: Pathogenic (1). 1 of the submissions does not count toward it. Last evaluated 2023-10-01.

Conditions:
Mendelian susceptibility to mycobacterial diseases due to partial STAT1 deficiency. Also called: IMMUNODEFICIENCY 31A, MYCOBACTERIOSIS, AUTOSOMAL DOMINANT; STAT1 DEFICIENCY, AUTOSOMAL DOMINANT; Immunodeficiency 31a. Identifiers: Orphanet 319595, MedGen C4013950, MONDO:0013956, OMIM 614892.

Submissions (2):

CeGaT Center for Human Genetics Tuebingen
Classification: Pathogenic. Last evaluated: 2023-10-01. Review status: criteria provided, single submitter. Criteria: CeGaT Center For Human Genetics Tuebingen Variant Classification Criteria Version 2. Collection method: clinical testing. Allele origin: germline. Affected: yes. Observed: 1 variant allele.
Comment: STAT1: PM2, PM6, PP4:Moderate, PS4:Moderate, PP2, PS3:Supporting

OMIM
Classification: Pathogenic for IMMUNODEFICIENCY 31A. Last evaluated: 2006-08-18. Review status: no assertion criteria provided. Collection method: literature only. Allele origin: germline. Not counted in ClinVar's aggregate classification.

Literature cited by the submitters: PubMed 16934001 (cited by OMIM).

NM_007315.4(STAT1):c.1389G>T (p.Gln463His)

Gene: STAT1 (signal transducer and activator of transcription 1; minus strand). Cytogenetic location: 2q32.2.
Variant type: single nucleotide variant.
Coding change: c.1389G>T on transcript NM_007315.4 (MANE Select); coding-DNA position 1389, G replaced by T.
Protein change: p.Gln463His; replaces glutamine 463 with histidine.
Molecular consequence: missense variant.
Genome position (GRCh38, 1-based): chr2:190,983,699, C>A on the plus strand (G>T on the coding strand, the complement: STAT1 is on the minus strand). VCF-style: chr2-190983699-C-A. GRCh37 (hg19) VCF-style: chr2-191848425-C-A.
Other names: c.1329G>T, p.Gln443His (NM_001384880.1); c.1395G>T, p.Gln465His (NM_001384881.1, NM_001384884.1); c.1383G>T, p.Gln461His (NM_001384882.1); c.1290G>T, p.Gln430His (NM_001384883.1); c.1230G>T, p.Gln410His (NM_001384885.1); c.1389G>T, p.Gln463His (NM_001384886.1, NM_001384889.1, NM_139266.3); c.1296G>T, p.Gln432His (NM_001384887.1); c.1359G>T, p.Gln453His (NM_001384888.1); and 2 more; short protein forms Q463H, Q410H, Q430H, Q432H, Q433H, Q443H, Q453H, Q461H.
Identifiers: ClinVar variation 9046 (VCV000009046.25), dbSNP rs137852679, ClinGen allele CA120078.
Genomic context (GRCh38, chr2:190,983,699, plus strand): 5'-TACCCTGGGTTCCGCCACCAGCATGTTGTACCAAAGGATGGAGGCCCAACCGCTCGGGAG[C>A]TGGCTGACGTTGGAGATCACCACAACGGGCAGAGAGGTCGTCTAAAGGATGACAAAGACC-3'
Protein context (NP_009330.1, residues 453-473): LPVVVISNVS[Gln463His]LPSGWASILW